The following is an entry in ClinVar:

NM_024577.4(SH3TC2):c.1948G>A (p.Glu650Lys)

Gene: SH3TC2 (SH3 domain and tetratricopeptide repeats 2; minus strand). Cytogenetic location: 5q32.
Variant type: single nucleotide variant.
Coding change: c.1948G>A on transcript NM_024577.4 (MANE Select); coding-DNA position 1948, G replaced by A.
Protein change: p.Glu650Lys; replaces glutamic acid 650 with lysine.
Molecular consequence: missense variant.
Genome position (GRCh38, 1-based): chr5:149,027,784, C>T on the plus strand (G>A on the coding strand, the complement: SH3TC2 is on the minus strand). VCF-style: chr5-149027784-C-T. GRCh37 (hg19) VCF-style: chr5-148407347-C-T.
Other names: short protein forms E650K.
Identifiers: ClinVar variation 2143397 (VCV002143397.2), dbSNP rs771002048, ClinGen allele CA3499083.

ClinVar aggregate classification (germline): Uncertain significance. Review status: criteria provided, multiple submitters, no conflicts (2 of 4 stars). 2 submissions from 2 submitters: Uncertain significance (2). Last evaluated 2025-10-15.

Conditions:
SH3TC2-related disorder. Also called: SH3TC2-related condition; SH3TC2-related disorders. Identifiers: MedGen CN239303.
Charcot-Marie-Tooth disease type 4. Also called: Charcot-Marie-Tooth, Type 4; Charcot-Marie-Tooth disease, type IV. Identifiers: Orphanet 64749, MedGen C4082197, MONDO:0018995.

Allele frequency attached by ClinVar (database versions not stated): ExAC 0.00002; gnomAD 0.00002; TOPMed 0.00002; gnomAD exomes 0.00005.

Submissions (2):

PreventionGenetics, part of Exact Sciences
Classification: Uncertain significance for SH3TC2-related condition. Last evaluated: 2025-10-15. Review status: criteria provided, single submitter. Criteria: ACMG Guidelines, 2015. Collection method: clinical testing. Allele origin: germline.
Comment: The SH3TC2 c.1948G>A variant is predicted to result in the amino acid substitution p.Glu650Lys. To our knowledge, this variant has not been reported in the literature. This variant is reported in 0.020% of alleles in individuals of Ashkenazi Jewish descent in gnomAD. At this time, the clinical significance of this variant is uncertain due to the absence of conclusive functional and genetic evidence.

Labcorp Genetics (formerly Invitae), Labcorp
Classification: Uncertain significance for Charcot-Marie-Tooth disease type 4. Last evaluated: 2022-06-16. Review status: criteria provided, single submitter. Criteria: Invitae Variant Classification Sherloc (09022015). Collection method: clinical testing. Allele origin: germline.
Comment: This sequence change replaces glutamic acid, which is acidic and polar, with lysine, which is basic and polar, at codon 650 of the SH3TC2 protein (p.Glu650Lys). This variant is present in population databases (rs771002048, gnomAD 0.02%). This variant has not been reported in the literature in individuals affected with SH3TC2-related conditions. Advanced modeling of protein sequence and biophysical properties (such as structural, functional, and spatial information, amino acid conservation, physicochemical variation, residue mobility, and thermodynamic stability) performed at Invitae indicates that this missense variant is not expected to disrupt SH3TC2 protein function. In summary, the available evidence is currently insufficient to determine the role of this variant in disease. Therefore, it has been classified as a Variant of Uncertain Significance.